The following is an entry in ClinVar:

ClinVar aggregate classification (germline): Pathogenic (1 of 4 stars; one submission).

Conditions:
Ataxia-telangiectasia syndrome (AT). Also called: Ataxia-telangiectasia, complementation group D; AT, COMPLEMENTATION GROUP C; ATAXIA-TELANGIECTASIA, COMPLEMENTATION GROUP A; ATAXIA-TELANGIECTASIA, FRESNO VARIANT; Ataxia-telangiectasia, complementation group E; LOUIS-BAR SYNDROME. Identifiers: Orphanet 100, MedGen C0004135, MONDO:0008840, OMIM 208900.

Submission:

Labcorp Genetics (formerly Invitae), Labcorp
Classification: Pathogenic for Ataxia-telangiectasia syndrome. Last evaluated: 2022-09-29. Review status: criteria provided, single submitter. Criteria: Invitae Variant Classification Sherloc (09022015). Collection method: clinical testing. Allele origin: germline.
Comment: For these reasons, this variant has been classified as Pathogenic. This variant has not been reported in the literature in individuals affected with ATM-related conditions. This variant is not present in population databases (gnomAD no frequency). This sequence change creates a premature translational stop signal (p.Ser2127*) in the ATM gene. It is expected to result in an absent or disrupted protein product. Loss-of-function variants in ATM are known to be pathogenic (PMID: 23807571, 25614872).

Literature cited by the submitters: PubMed 23807571; PubMed 25614872.

NM_000051.4(ATM):c.6380C>A (p.Ser2127Ter)

Genes: ATM (ATM serine/threonine kinase; plus strand), C11orf65 (chromosome 11 open reading frame 65; minus strand). Cytogenetic location: 11q22.3.
Variant type: single nucleotide variant.
Coding change: c.6380C>A on transcript NM_000051.4 (MANE Select); coding-DNA position 6380, C replaced by A.
Protein change: p.Ser2127Ter; replaces serine 2127 with a stop codon.
Molecular consequence: nonsense. On other transcripts: intron variant (2).
Genome position (GRCh38, 1-based): chr11:108,319,986, C>A. VCF-style: chr11-108319986-C-A. GRCh37 (hg19) VCF-style: chr11-108190713-C-A.
Other names: c.6380C>A, p.Ser2127Ter (NM_001351834.2); c.641-10915G>T (NM_001330368.2); c.*39-10915G>T (NM_001351110.2); short protein forms S2127*.
Identifiers: ClinVar variation 2033379 (VCV002033379.4), dbSNP rs2136219729, ClinGen allele CA382553288.